The following is an entry in ClinVar:

ClinVar aggregate classification (germline): Uncertain significance. Review status: criteria provided, multiple submitters, no conflicts (2 of 4 stars). 5 submissions from 5 submitters: Uncertain significance (5). Last evaluated 2024-10-15.

Conditions:
Woodhouse-Sakati syndrome. Also called: Hypogonadism, Alopecia, Diabetes Mellitus, Mental Retardation, and Extrapyramidal Syndrome; Hypogonadism, diabetes mellitus, alopecia, mental retardation and electrocardiographic abnormalities; EXTRAPYRAMIDAL DISORDER, PROGRESSIVE, WITH PRIMARY HYPOGONADISM, MENTAL RETARDATION, AND ALOPECIA. Identifiers: Orphanet 3464, MedGen C0342286, MONDO:0009419, OMIM 241080.
Inborn genetic diseases. Identifiers: MedGen C0950123, MeSH D030342.

Allele frequency attached by ClinVar (database versions not stated): gnomAD 0.00007; TOPMed 0.00007; ESP Exome Variant Server 0.00017.
gnomAD v4.1: 117 of 1,613,090 alleles (0.0073%); highest among the groups gnomAD compares: East Asian, 0.067%; no homozygotes.

Submissions (5):

Blueprint Genetics
Classification: Uncertain significance. Last evaluated: 2024-10-15. Review status: criteria provided, single submitter. Criteria: ACMG Guidelines, 2015. Collection method: clinical testing. Allele origin: germline.

Ambry Genetics
Classification: Uncertain significance for Inborn genetic diseases. Last evaluated: 2023-12-22. Review status: criteria provided, single submitter. Criteria: Ambry Variant Classification Scheme 2023. Collection method: clinical testing. Allele origin: germline.

Mayo Clinic Laboratories, Mayo Clinic
Classification: Uncertain significance. Last evaluated: 2023-10-05. Review status: criteria provided, single submitter. Criteria: ACMG Guidelines, 2015. Collection method: clinical testing. Allele origin: germline. Observed: 1 variant allele.

Labcorp Genetics (formerly Invitae), Labcorp
Classification: Uncertain significance for Woodhouse-Sakati syndrome. Last evaluated: 2022-08-25. Review status: criteria provided, single submitter. Criteria: Invitae Variant Classification Sherloc (09022015). Collection method: clinical testing. Allele origin: germline.
Comment: This sequence change replaces arginine, which is basic and polar, with glutamine, which is neutral and polar, at codon 194 of the DCAF17 protein (p.Arg194Gln). This variant is present in population databases (rs371230892, gnomAD 0.006%). This variant has not been reported in the literature in individuals affected with DCAF17-related conditions. ClinVar contains an entry for this variant (Variation ID: 654696). Algorithms developed to predict the effect of missense changes on protein structure and function output the following: SIFT: "Tolerated"; PolyPhen-2: "Benign"; Align-GVGD: "Class C0". The glutamine amino acid residue is found in multiple mammalian species, which suggests that this missense change does not adversely affect protein function. In summary, the available evidence is currently insufficient to determine the role of this variant in disease. Therefore, it has been classified as a Variant of Uncertain Significance.

Illumina Laboratory Services, Illumina
Classification: Uncertain significance for Woodhouse-Sakati syndrome. Last evaluated: 2018-01-12. Review status: criteria provided, single submitter. Criteria: ICSL Variant Classification Criteria 13 December 2019. Collection method: clinical testing. Allele origin: germline.

NM_025000.4(DCAF17):c.581G>A (p.Arg194Gln)

Gene: DCAF17 (DDB1 and CUL4 associated factor 17; plus strand). Cytogenetic location: 2q31.1.
Variant type: single nucleotide variant.
Coding change: c.581G>A on transcript NM_025000.4 (MANE Select); coding-DNA position 581, G replaced by A.
Protein change: p.Arg194Gln; replaces arginine 194 with glutamine.
Molecular consequence: missense variant. On other transcripts: non-coding transcript variant (1).
Genome position (GRCh38, 1-based): chr2:171,453,167, G>A. VCF-style: chr2-171453167-G-A. GRCh37 (hg19) VCF-style: chr2-172309677-G-A.
Other names: p.Arg194Gln; c.581G>A, p.Arg194Gln (NM_001164821.2); short protein forms R194Q.
Identifiers: ClinVar variation 654696 (VCV000654696.12), dbSNP rs371230892, ClinGen allele CA1964722.